The following is an entry in ClinVar:

ClinVar aggregate classification (germline): Likely pathogenic (1 of 4 stars; one submission).

Conditions:
Cystic fibrosis (CF). Also called: MUCOVISCIDOSIS. Identifiers: Orphanet 586, MedGen C0010674, MONDO:0009061, OMIM 219700. Disease mechanism: loss of function.

Submission:

Women's Health and Genetics/Laboratory Corporation of America, LabCorp
Classification: Likely pathogenic for Cystic fibrosis. Last evaluated: 2025-07-02. Review status: criteria provided, single submitter. Criteria: LabCorp Variant Classification Summary - May 2015. Collection method: clinical testing. Allele origin: germline.
Comment: Variant summary: CFTR c.1526G>A (p.Gly509Asp) results in a non-conservative amino acid change in the encoded protein sequence. Algorithms developed to predict the effect of missense changes on protein structure and function all suggest that this variant is likely to be disruptive. The variant was absent in 251220 control chromosomes. c.1526G>A has been observed as part of a complex allele c.[1526G>A;c.650A>G], p.[E217G;G509D] in multiple individuals affected with Cystic Fibrosis (example, Kondratyeva_2023, Ayupova_2024). To our knowledge, it has not been reported in isolation in a biallelic individual affected with CF-related conditions. However, the other variant proposed to be part of this complex allele (c.526G>A, p.E217G) is classified as likely benign by our laboratory. These data indicate that the c.1526G>A (p.Gly509Asp) variant, in isolation, is likely to be associated with disease while the other variant c.526G>A, p.E217G is most likely a benign passenger variant. To our knowledge, no experimental evidence demonstrating an impact on protein function has been reported for c.1526G>A (p.Gly509Asp) or the complex allele. The following publications have been ascertained in the context of this evaluation (PMID: 37761847, 38248793, 39457459, 39529847). No submitters have cited clinical-significance assessments for this variant to ClinVar. Based on the evidence outlined above, the variant was classified as likely pathogenic.

Literature cited by the submitters: PubMed 38248793; PubMed 39529847; PubMed 39457459; PubMed 37761847.

NM_000492.4(CFTR):c.1526G>A (p.Gly509Asp)

Genes: CFTR (CF transmembrane conductance regulator; plus strand), CFTR-AS1 (CFTR antisense RNA 1; minus strand). Cytogenetic location: 7q31.2.
Variant type: single nucleotide variant.
Coding change: c.1526G>A on transcript NM_000492.4 (MANE Select); coding-DNA position 1526, G replaced by A.
Protein change: p.Gly509Asp; replaces glycine 509 with aspartic acid.
Molecular consequence: missense variant.
Genome position (GRCh38, 1-based): chr7:117,559,597, G>A. VCF-style: chr7-117559597-G-A. GRCh37 (hg19) VCF-style: chr7-117199651-G-A.
Other names: short protein forms G509D.
Identifiers: ClinVar variation 3911982 (VCV003911982.2).